The following is an entry in ClinVar:

NM_000278.5(PAX2):c.198C>G (p.Ser66Arg)

Gene: PAX2 (paired box 2; plus strand). Cytogenetic location: 10q24.31.
Variant type: single nucleotide variant.
Coding change: c.198C>G on transcript NM_000278.5 (MANE Select); coding-DNA position 198, C replaced by G.
Protein change: p.Ser66Arg; replaces serine 66 with arginine.
Molecular consequence: missense variant.
Genome position (GRCh38, 1-based): chr10:100,749,900, C>G. VCF-style: chr10-100749900-C-G. GRCh37 (hg19) VCF-style: chr10-102509657-C-G.
Other names: c.291C>G, p.Ser97Arg (NM_001304569.2); c.198C>G, p.Ser66Arg (NM_003987.5, NM_003988.5, NM_003989.5 and 1 more transcripts); short protein forms S97R, S66R.
Identifiers: ClinVar variation 2087854 (VCV002087854.4), dbSNP rs2492893738, ClinGen allele CA378257735.
Genomic context (GRCh38, chr10:100,749,900, plus strand): 5'-CCAGGGTGTGCGGCCCTGTGACATCTCCCGGCAGCTGCGGGTCAGCCACGGCTGTGTCAG[C>G]AAAATCCTGGGCAGGTGAGGGCTTCGCAGCTGTCCCGGGAGACGCCTTGCCTACTTCCCC-3'
Protein context (NP_000269.3, residues 56-76): RQLRVSHGCV[Ser66Arg]KILGRYYETG

ClinVar aggregate classification (germline): Uncertain significance (1 of 4 stars; one submission).

Conditions:
Renal coloboma syndrome (PAPRS). Also called: COLOBOMA OF OPTIC NERVE WITH RENAL DISEASE; OPTIC COLOBOMA, VESICOURETERAL REFLUX, AND RENAL ANOMALIES; OPTIC NERVE COLOBOMA WITH RENAL DISEASE; RENAL-COLOBOMA SYNDROME WITH MACULAR ABNORMALITIES; PAPILLORENAL SYNDROME WITH MILD OCULAR ABNORMALITIES; CONGENITAL ANOMALIES OF THE KIDNEY AND URINARY TRACT WITH OR WITHOUT OCULAR ABNORMALITIES. Identifiers: Orphanet 1475, MedGen C1852759, MONDO:0007352, OMIM 120330.
Focal segmental glomerulosclerosis 7 (FSGS7). Identifiers: Orphanet 656, MedGen C4014925, MONDO:0014451, OMIM 616002.

Submission:

Labcorp Genetics (formerly Invitae), Labcorp
Classification: Uncertain significance for Renal coloboma syndrome; Focal segmental glomerulosclerosis 7. Last evaluated: 2022-07-11. Review status: criteria provided, single submitter. Criteria: Invitae Variant Classification Sherloc (09022015). Collection method: clinical testing. Allele origin: germline.
Comment: In summary, the available evidence is currently insufficient to determine the role of this variant in disease. Therefore, it has been classified as a Variant of Uncertain Significance. Experimental studies and prediction algorithms are not available or were not evaluated, and the functional significance of this variant is currently unknown. This variant has not been reported in the literature in individuals affected with PAX2-related conditions. This variant is not present in population databases (gnomAD no frequency). This sequence change replaces serine, which is neutral and polar, with arginine, which is basic and polar, at codon 66 of the PAX2 protein (p.Ser66Arg).